The following is an entry in ClinVar:

NM_001375524.1(TRRAP):c.1327G>A (p.Asp443Asn)

Gene: TRRAP (transformation/transcription domain associated protein; plus strand). Cytogenetic location: 7q22.1.
Variant type: single nucleotide variant.
Coding change: c.1327G>A on transcript NM_001375524.1 (MANE Select); coding-DNA position 1327, G replaced by A.
Protein change: p.Asp443Asn; replaces aspartic acid 443 with asparagine.
Molecular consequence: missense variant.
Genome position (GRCh38, 1-based): chr7:98,908,939, G>A. VCF-style: chr7-98908939-G-A. GRCh37 (hg19) VCF-style: chr7-98506562-G-A.
Other names: c.1327G>A, p.Asp443Asn (NM_001244580.2, NM_003496.4); short protein forms D443N.
Identifiers: ClinVar variation 1312745 (VCV001312745.4), dbSNP rs2116398727, ClinGen allele CA368285742.
Genomic context (GRCh38, chr7:98,908,939, plus strand): 5'-CTGCTGAACCTGGTGGACTGCATCCGTTCCAAGAGCGAGCAGGAGAGTGGCAATGGGAGA[G>A]ACGTCCTGATGCGGATGCTGGAGGTACCAGCTCTTCTGAGAGTATCATCCATCCTGCACT-3'
Protein context (NP_001362453.1, residues 433-453): KSEQESGNGR[Asp443Asn]VLMRMLEVFV

ClinVar aggregate classification (germline): Uncertain significance (1 of 4 stars; one submission).

Conditions:
TRRAP-related disorder. Also called: TRRAP-related condition.

Allele frequency attached by ClinVar (database versions not stated): gnomAD exomes 0.00001.
gnomAD v4.1: 5 of 1,613,846 alleles (0.00031%); highest among the groups gnomAD compares: Non-Finnish European, 0.00042%; no homozygotes.

Submission:

GeneDx
Classification: Uncertain significance. Last evaluated: 2020-06-30. Review status: criteria provided, single submitter. Criteria: GeneDx Variant Classification Process June 2021. Collection method: clinical testing. Allele origin: germline. Affected: yes.
Comment: Not observed in large population cohorts (Lek et al., 2016); In silico analysis supports that this missense variant has a deleterious effect on protein structure/function; Has not been previously published as pathogenic or benign to our knowledge